The following is an entry in ClinVar:

ClinVar aggregate classification (germline): Uncertain significance (1 of 4 stars; one submission).

Conditions:
3-methylcrotonyl-CoA carboxylase 2 deficiency. Also called: METHYLCROTONYLGLYCINURIA, TYPE II; 3 alpha methylcrotonyl-CoA carboxylase 2 deficiency; 3 alpha methylcrotonylglycinuria 2; MCC 2 deficiency; Methylcrotonylglycinuria type 2. Identifiers: Orphanet 6, MedGen C1859499, MONDO:0008862, OMIM 210210.

Allele frequency attached by ClinVar (database versions not stated): ExAC 0.00001.

Submission:

Labcorp Genetics (formerly Invitae), Labcorp
Classification: Uncertain significance for 3-methylcrotonyl-CoA carboxylase 2 deficiency. Last evaluated: 2023-05-18. Review status: criteria provided, single submitter. Criteria: Invitae Variant Classification Sherloc (09022015). Collection method: clinical testing. Allele origin: germline.
Comment: Advanced modeling of protein sequence and biophysical properties (such as structural, functional, and spatial information, amino acid conservation, physicochemical variation, residue mobility, and thermodynamic stability) performed at Invitae indicates that this missense variant is not expected to disrupt MCCC2 protein function. In summary, the available evidence is currently insufficient to determine the role of this variant in disease. Therefore, it has been classified as a Variant of Uncertain Significance. ClinVar contains an entry for this variant (Variation ID: 1415555). This variant has not been reported in the literature in individuals affected with MCCC2-related conditions. This variant is present in population databases (rs575600077, gnomAD 0.003%). This sequence change replaces aspartic acid, which is acidic and polar, with glutamic acid, which is acidic and polar, at codon 189 of the MCCC2 protein (p.Asp189Glu).

NM_022132.5(MCCC2):c.567C>A (p.Asp189Glu)

Gene: MCCC2 (methylcrotonyl-CoA carboxylase subunit 2; plus strand). Cytogenetic location: 5q13.2.
Variant type: single nucleotide variant.
Coding change: c.567C>A on transcript NM_022132.5 (MANE Select); coding-DNA position 567, C replaced by A.
Protein change: p.Asp189Glu; replaces aspartic acid 189 with glutamic acid.
Molecular consequence: missense variant.
Genome position (GRCh38, 1-based): chr5:71,604,411, C>A. VCF-style: chr5-71604411-C-A. GRCh37 (hg19) VCF-style: chr5-70900238-C-A.
Other names: c.567C>A, p.Asp189Glu (NM_001363147.1); short protein forms D189E.
Identifiers: ClinVar variation 1415555 (VCV001415555.8), dbSNP rs575600077, ClinGen allele CA3297810.
Genomic context (GRCh38, chr5:71,604,411, plus strand): 5'-TTCAGTTGATTCGGGAGGAGCATACTTACCTCGACAAGCAGATGTGTTTCCAGATCGAGA[C>A]CACTTTGGCCGTACATTCTATAATCAGGCAATTATGTCTTCTAAAAATATTGCACAGGTA-3'
Protein context (NP_071415.1, residues 179-199): PRQADVFPDR[Asp189Glu]HFGRTFYNQA